The following is an entry in ClinVar:

ClinVar aggregate classification (germline): Uncertain significance (1 of 4 stars; one submission).

Conditions:
Microcephaly-intellectual disability-sensorineural hearing loss-epilepsy-abnormal muscle tone syndrome (NEDHSB). Also called: NEURODEVELOPMENTAL DISORDER WITH HEARING LOSS, SEIZURES, AND BRAIN ABNORMALITIES. Identifiers: Orphanet 457351, MedGen C4225276, MONDO:0014698, OMIM 616577.

Allele frequency attached by ClinVar (database versions not stated): gnomAD exomes below 0.00001.
gnomAD v4.1: 1 of 1,614,114 alleles (0.000062%); highest among the groups gnomAD compares: South Asian, 0.0011%; no homozygotes.

Submission:

Labcorp Genetics (formerly Invitae), Labcorp
Classification: Uncertain significance for Microcephaly-intellectual disability-sensorineural hearing loss-epilepsy-abnormal muscle tone syndrome. Last evaluated: 2019-10-29. Review status: criteria provided, single submitter. Criteria: Invitae Variant Classification Sherloc (09022015). Collection method: clinical testing. Allele origin: germline.
Comment: This sequence change replaces serine with cysteine at codon 43 of the SPATA5 protein (p.Ser43Cys). The serine residue is weakly conserved and there is a moderate physicochemical difference between serine and cysteine. In summary, the available evidence is currently insufficient to determine the role of this variant in disease. Therefore, it has been classified as a Variant of Uncertain Significance. Algorithms developed to predict the effect of missense changes on protein structure and function (SIFT, PolyPhen-2, Align-GVGD) all suggest that this variant is likely to be tolerated, but these predictions have not been confirmed by published functional studies and their clinical significance is uncertain. This variant has not been reported in the literature in individuals with SPATA5-related conditions. This variant is not present in population databases (ExAC no frequency).

NM_145207.3(AFG2A):c.128C>G (p.Ser43Cys)

Gene: AFG2A (AAA ATPase AFG2A; plus strand). Cytogenetic location: 4q28.1.
Variant type: single nucleotide variant.
Coding change: c.128C>G on transcript NM_145207.3 (MANE Select); coding-DNA position 128, C replaced by G.
Protein change: p.Ser43Cys; replaces serine 43 with cysteine.
Molecular consequence: missense variant.
Genome position (GRCh38, 1-based): chr4:122,923,270, C>G. VCF-style: chr4-122923270-C-G. GRCh37 (hg19) VCF-style: chr4-123844425-C-G.
Other names: c.128C>G, p.Ser43Cys (NM_001317799.2, NM_001345856.2); short protein forms S43C.
Identifiers: ClinVar variation 963159 (VCV000963159.6), dbSNP rs1728175526, ClinGen allele CA358097387.